The following is an entry in ClinVar:

ClinVar aggregate classification (germline): Pathogenic (1 of 4 stars; one submission).

Conditions:
Kennedy disease (SMAX1). Also called: SPINAL AND BULBAR MUSCULAR ATROPHY, X-LINKED 1; KENNEDY SPINAL AND BULBAR MUSCULAR ATROPHY; Spinal and Bulbar Muscular Atrophy. Identifiers: Orphanet 481, MedGen C1839259, MONDO:0010735, OMIM 313200.
Androgen resistance syndrome (AIS). Also called: ANDROGEN RECEPTOR DEFICIENCY; DIHYDROTESTOSTERONE RECEPTOR DEFICIENCY; Androgen insensitivity; DHTR DEFICIENCY; TESTICULAR FEMINIZATION SYNDROME; Androgen insensitivity syndrome. Identifiers: Orphanet 754, Orphanet 99429, MedGen C0039585, MONDO:0019154, OMIM 300068. Disease mechanism: loss of function.

Submission:

Labcorp Genetics (formerly Invitae), Labcorp
Classification: Pathogenic for Kennedy disease; Androgen resistance syndrome. Last evaluated: 2021-02-14. Review status: criteria provided, single submitter. Criteria: Invitae Variant Classification Sherloc (09022015). Collection method: clinical testing. Allele origin: germline.
Comment: For these reasons, this variant has been classified as Pathogenic. This variant has not been reported in the literature in individuals with AR-related conditions. This variant is not present in population databases (ExAC no frequency). This sequence change creates a premature translational stop signal (p.Val279Profs*19) in the AR gene. It is expected to result in an absent or disrupted protein product. Loss-of-function variants in AR are known to be pathogenic (PMID: 19463997).

Literature cited by the submitters: PubMed 19463997.

NM_000044.6(AR):c.829_833dup (p.Val279fs)

Gene: AR (androgen receptor; plus strand). Cytogenetic location: Xq12.
Variant type: Duplication.
Coding change: c.829_833dup on transcript NM_000044.6 (MANE Select); coding-DNA positions 829 to 833, 5 bases duplicated (CCCGC; older notation c.829_833dupCCCGC).
Protein change: p.Val279fs; shifts the reading frame from valine 279.
Molecular consequence: frameshift variant. On other transcripts: 5 prime UTR variant (1).
Genome position (GRCh38, 1-based): chrX:67,545,975-67,545,979, CCCGC duplicated. VCF-style (leftmost placement, unchanged base first): chrX-67545974-A-ACCCGC. GRCh37 (hg19) VCF-style: chrX-66765816-A-ACCCGC.
Other names: c.-955_-951dup (NM_001011645.3); c.829_833dup, p.Val279fs (NM_001348061.1, NM_001348063.1, NM_001348064.1); short protein forms V279fs.
Identifiers: ClinVar variation 1454671 (VCV001454671.6), dbSNP rs2147318663, ClinGen allele CA2573159023.